The following is an entry in ClinVar:

ClinVar aggregate classification (germline): Uncertain significance. Review status: criteria provided, single submitter (1 of 4 stars). 2 submissions from 2 submitters: Uncertain significance (1). 1 of the submissions does not count toward it. Last evaluated 2022-02-28.

Conditions:
Nemaline myopathy 2 (NEM2). Also called: Nemaline myopathy 2, autosomal recessive. Identifiers: MedGen C1850569, MONDO:0009725, OMIM 256030.

Allele frequency attached by ClinVar (database versions not stated): gnomAD exomes below 0.00001; TOPMed below 0.00001; ExAC 0.00001.
gnomAD v4.1: 2 of 1,613,878 alleles (0.00012%); highest among the groups gnomAD compares: Admixed American, 0.0033%; no homozygotes.

Submissions (2):

Labcorp Genetics (formerly Invitae), Labcorp
Classification: Uncertain significance for Nemaline myopathy 2. Last evaluated: 2022-02-28. Review status: criteria provided, single submitter. Criteria: Invitae Variant Classification Sherloc (09022015). Collection method: clinical testing. Allele origin: germline.
Comment: Algorithms developed to predict the effect of missense changes on protein structure and function are either unavailable or do not agree on the potential impact of this missense change (SIFT: "Deleterious"; PolyPhen-2: "Not Available"; Align-GVGD: "Class C0"). This variant has not been reported in the literature in individuals affected with NEB-related conditions. This variant is present in population databases (rs773712866, gnomAD 0.003%). This sequence change replaces asparagine, which is neutral and polar, with aspartic acid, which is acidic and polar, at codon 700 of the NEB protein (p.Asn700Asp). In summary, the available evidence is currently insufficient to determine the role of this variant in disease. Therefore, it has been classified as a Variant of Uncertain Significance.

Natera, Inc.
Classification: Uncertain significance for Nemaline myopathy type 2. Last evaluated: 2025-02-22. Review status: no assertion criteria provided. Collection method: clinical testing. Allele origin: germline. Not counted in ClinVar's aggregate classification.

NM_001164508.2(NEB):c.2098A>G (p.Asn700Asp)

Gene: NEB (nebulin; minus strand). Cytogenetic location: 2q23.3.
Variant type: single nucleotide variant.
Coding change: c.2098A>G on transcript NM_001164508.2 (MANE Select); coding-DNA position 2098, A replaced by G.
Protein change: p.Asn700Asp; replaces asparagine 700 with aspartic acid.
Molecular consequence: missense variant.
Genome position (GRCh38, 1-based): chr2:151,692,067, T>C on the plus strand (A>G on the coding strand, the complement: NEB is on the minus strand). VCF-style: chr2-151692067-T-C. GRCh37 (hg19) VCF-style: chr2-152548581-T-C.
Other names: c.2098A>G, p.Asn700Asp (NM_001164507.2, NM_001271208.2, NM_004543.5); short protein forms N700D.
Identifiers: ClinVar variation 2185597 (VCV002185597.5), dbSNP rs773712866, ClinGen allele CA1911337.